The following is an entry in ClinVar:

NM_001130823.3(DNMT1):c.879T>G (p.Asp293Glu)

Gene: DNMT1 (DNA methyltransferase 1; minus strand). Cytogenetic location: 19p13.2.
Variant type: single nucleotide variant.
Coding change: c.879T>G on transcript NM_001130823.3 (MANE Select); coding-DNA position 879, T replaced by G.
Protein change: p.Asp293Glu; replaces aspartic acid 293 with glutamic acid.
Molecular consequence: missense variant.
Genome position (GRCh38, 1-based): chr19:10,166,610, A>C on the plus strand (T>G on the coding strand, the complement: DNMT1 is on the minus strand). VCF-style: chr19-10166610-A-C. GRCh37 (hg19) VCF-style: chr19-10277286-A-C.
Other names: c.831T>G, p.Asp277Glu (NM_001318730.2, NM_001379.4); c.516T>G, p.Asp172Glu (NM_001318731.2); short protein forms D172E, D277E, D293E.
Identifiers: ClinVar variation 2001781 (VCV002001781.4), dbSNP rs2513855064, ClinGen allele CA403941936.

ClinVar aggregate classification (germline): Uncertain significance (1 of 4 stars; one submission).

Conditions:
Hereditary sensory neuropathy-deafness-dementia syndrome. Also called: NEUROPATHY, HEREDITARY SENSORY, WITH HEARING LOSS AND DEMENTIA; Hereditary Sensory and Autonomic Neuropathy Type 1E (HSAN1E); HSN IE; Hereditary sensory neuropathy type IE. Identifiers: Orphanet 456318, MedGen C3279885, MONDO:0013584, OMIM 614116.

gnomAD v4.1: 1 of 1,614,158 alleles (0.000062%); highest among the groups gnomAD compares: Non-Finnish European, 0.000085%; no homozygotes.

Submission:

Labcorp Genetics (formerly Invitae), Labcorp
Classification: Uncertain significance for Hereditary sensory neuropathy-deafness-dementia syndrome. Last evaluated: 2022-06-03. Review status: criteria provided, single submitter. Criteria: Invitae Variant Classification Sherloc (09022015). Collection method: clinical testing. Allele origin: germline.
Comment: In summary, the available evidence is currently insufficient to determine the role of this variant in disease. Therefore, it has been classified as a Variant of Uncertain Significance. Algorithms developed to predict the effect of missense changes on protein structure and function output the following: SIFT: "Tolerated"; PolyPhen-2: "Benign"; Align-GVGD: "Class C0". The glutamic acid amino acid residue is found in multiple mammalian species, which suggests that this missense change does not adversely affect protein function. This variant has not been reported in the literature in individuals affected with DNMT1-related conditions. This variant is not present in population databases (gnomAD no frequency). This sequence change replaces aspartic acid, which is acidic and polar, with glutamic acid, which is acidic and polar, at codon 293 of the DNMT1 protein (p.Asp293Glu).